The following is an entry in ClinVar:

ClinVar aggregate classification (germline): Uncertain significance (1 of 4 stars; one submission).

gnomAD v4.1: 11 of 1,614,094 alleles (0.00068%); highest among the groups gnomAD compares: South Asian, 0.012%; no homozygotes.

Submission:

GeneDx
Classification: Uncertain significance. Last evaluated: 2023-11-29. Review status: criteria provided, single submitter. Criteria: GeneDx Variant Classification Process June 2021. Collection method: clinical testing. Allele origin: germline. Affected: yes.
Comment: In silico analysis supports that this missense variant has a deleterious effect on protein structure/function; Has not been previously published as pathogenic or benign to our knowledge

NM_001040616.3(LINS1):c.1351G>A (p.Glu451Lys)

Gene: LINS1 (lines homolog 1; minus strand). Cytogenetic location: 15q26.3.
Variant type: single nucleotide variant.
Coding change: c.1351G>A on transcript NM_001040616.3 (MANE Select); coding-DNA position 1351, G replaced by A.
Protein change: p.Glu451Lys; replaces glutamic acid 451 with lysine.
Molecular consequence: missense variant. On other transcripts: non-coding transcript variant (3).
Genome position (GRCh38, 1-based): chr15:100,571,937, C>T on the plus strand (G>A on the coding strand, the complement: LINS1 is on the minus strand). VCF-style: chr15-100571937-C-T. GRCh37 (hg19) VCF-style: chr15-101112142-C-T.
Other names: c.604G>A, p.Glu202Lys (NM_001352507.2); c.1198G>A, p.Glu400Lys (NM_001352508.2); short protein forms E202K, E400K, E451K.
Identifiers: ClinVar variation 3365069 (VCV003365069.1).